The following is an entry in ClinVar:

NM_018192.4(P3H2):c.1954C>T (p.His652Tyr)

Gene: P3H2 (prolyl 3-hydroxylase 2; minus strand). Cytogenetic location: 3q28.
Variant type: single nucleotide variant.
Coding change: c.1954C>T on transcript NM_018192.4 (MANE Select); coding-DNA position 1954, C replaced by T.
Protein change: p.His652Tyr; replaces histidine 652 with tyrosine.
Molecular consequence: missense variant.
Genome position (GRCh38, 1-based): chr3:189,964,038, G>A on the plus strand (C>T on the coding strand, the complement: P3H2 is on the minus strand). VCF-style: chr3-189964038-G-A. GRCh37 (hg19) VCF-style: chr3-189681827-G-A.
Other names: c.1411C>T, p.His471Tyr (NM_001134418.2); short protein forms H471Y, H652Y.
Identifiers: ClinVar variation 1007523 (VCV001007523.5), dbSNP rs1722898307, ClinGen allele CA355751927.
Genomic context (GRCh38, chr3:189,964,038, plus strand): 5'-CCAAGGTGAACCACAGAGCCACAGCACACCTCTTTCCCTTGGTGACTGCCTTCACCCCAT[G>A]AGGGTTCTCTCCTCCAGATGAGAAGCTGATCATGCGCCCACATTTTGGTTTTATAGAGGC-3'
Protein context (NP_060662.2, residues 642-662): ISFSSGGENP[His652Tyr]GVKAVTKGKR

ClinVar aggregate classification (germline): Uncertain significance (1 of 4 stars; one submission).

Submission:

Labcorp Genetics (formerly Invitae), Labcorp
Classification: Uncertain significance. Last evaluated: 2022-02-02. Review status: criteria provided, single submitter. Criteria: Invitae Variant Classification Sherloc (09022015). Collection method: clinical testing. Allele origin: germline.
Comment: This sequence change replaces histidine, which is basic and polar, with tyrosine, which is neutral and polar, at codon 652 of the P3H2 protein (p.His652Tyr). This variant is not present in population databases (gnomAD no frequency). This variant has not been reported in the literature in individuals affected with P3H2-related conditions. ClinVar contains an entry for this variant (Variation ID: 1007523). Algorithms developed to predict the effect of missense changes on protein structure and function are either unavailable or do not agree on the potential impact of this missense change (SIFT: "Deleterious"; PolyPhen-2: "Probably Damaging"; Align-GVGD: "Class C0"). In summary, the available evidence is currently insufficient to determine the role of this variant in disease. Therefore, it has been classified as a Variant of Uncertain Significance.